The following is an entry in ClinVar:

NM_015378.4(VPS13D):c.4022C>T (p.Ser1341Leu)

Gene: VPS13D (vacuolar protein sorting 13 homolog D; plus strand). Cytogenetic location: 1p36.22.
Variant type: single nucleotide variant.
Coding change: c.4022C>T on transcript NM_015378.4 (MANE Select); coding-DNA position 4022, C replaced by T.
Protein change: p.Ser1341Leu; replaces serine 1341 with leucine.
Molecular consequence: missense variant.
Genome position (GRCh38, 1-based): chr1:12,277,610, C>T. VCF-style: chr1-12277610-C-T. GRCh37 (hg19) VCF-style: chr1-12337667-C-T.
Other names: p.Ser1341Leu; c.4022C>T (NM_015378.3); c.4022C>T, p.Ser1341Leu (NM_018156.4); short protein forms S1341L.
Identifiers: ClinVar variation 996334 (VCV000996334.46), dbSNP rs12407578, ClinGen allele CA602051.

ClinVar aggregate classification (germline): Conflicting classifications of pathogenicity. Review status: criteria provided, conflicting classifications (1 of 4 stars). 6 submissions from 6 submitters: Uncertain significance (1); Benign (1); Likely benign (3). 1 of the submissions does not count toward it. Last evaluated 2026-09-01.

Conditions:
VPS13D-related disorder. Also called: VPS13D-related condition.
Autosomal recessive cerebellar ataxia-saccadic intrusion syndrome. Also called: SPINOCEREBELLAR ATAXIA 24; VPS13D Movement Disorder. Identifiers: Orphanet 95434, MedGen C1846492, MONDO:0011811, OMIM 607317.

Allele frequency attached by ClinVar (database versions not stated): 1000 Genomes Project 30x 0.00109; 1000 Genomes Project 0.00120; gnomAD 0.00275 and 0.00280; TOPMed 0.00319; ESP Exome Variant Server 0.00392; gnomAD exomes 0.00399.
gnomAD v4.1: 6,239 of 1,613,898 alleles (0.39%); highest among the groups gnomAD compares: Middle Eastern, 0.54%; 16 homozygotes.

Submissions (6):

CeGaT Center for Human Genetics Tuebingen
Classification: Likely benign. Last evaluated: 2026-09-01. Review status: criteria provided, single submitter. Criteria: CeGaT Center For Human Genetics Tuebingen Variant Classification Criteria Version 2. Collection method: clinical testing. Allele origin: germline. Affected: yes. Observed: 16 variant alleles.
Comment: VPS13D: BS2

Labcorp Genetics (formerly Invitae), Labcorp
Classification: Likely benign. Last evaluated: 2026-02-01. Review status: criteria provided, single submitter. Criteria: Invitae Variant Classification Sherloc (09022015). Collection method: clinical testing. Allele origin: germline.

Blueprint Genetics
Classification: Likely benign. Last evaluated: 2024-11-26. Review status: criteria provided, single submitter. Criteria: ACMG Guidelines, 2015. Collection method: clinical testing. Allele origin: germline.

Mayo Clinic Laboratories, Mayo Clinic
Classification: Benign. Last evaluated: 2024-03-18. Review status: criteria provided, single submitter. Criteria: ACMG Guidelines, 2015. Collection method: clinical testing. Allele origin: germline. Observed: 19 variant alleles.
Comment: BS1, BS2

Institute of Human Genetics, University of Goettingen
Classification: Uncertain significance for Autosomal recessive cerebellar ataxia-saccadic intrusion syndrome. Last evaluated: 2021-02-10. Review status: criteria provided, single submitter. Criteria: ACMG Guidelines, 2015. Collection method: clinical testing. Allele origin: paternal. Inheritance: Autosomal recessive inheritance. Observed: 1 variant allele, 1 compound heterozygote.
Comment: The VPS13D variant c.4022C>T (p.(Ser1341Leu)) is found at a population frequency of 0.28% in the gnomAD database, but only once in the homozygous state, it affects a highly conserved nucleotide and a moderately conserved amino acid and there is a large physicochemical difference between Ser and Leu. This variant has a benign computational verdict based on in silico prediction programs (benign: M-CAP & SIFT & PolyPhen-2 vs. pathogenic: MutationTaster). This variant was detected in trans with another variant of uncertain significance within the VPS13D gene (c.2065C>T). ACMG criteria used for classification: PM2, PP2, BP4.

PreventionGenetics, part of Exact Sciences
Classification: Likely benign for VPS13D-related condition. Last evaluated: 2019-02-21. Review status: no assertion criteria provided. Collection method: clinical testing. Allele origin: germline. Not counted in ClinVar's aggregate classification.
Comment: This variant is classified as likely benign based on ACMG/AMP sequence variant interpretation guidelines (Richards et al. 2015 PMID: 25741868, with internal and published modifications).

Literature cited by the submitters: PubMed 36156252 (cited by Mayo Clinic Laboratories, Mayo Clinic).